The following is an entry in ClinVar:

NM_003611.3(OFD1):c.1859C>T (p.Ser620Phe)

Gene: OFD1 (OFD1 centriole and centriolar satellite protein; plus strand). Cytogenetic location: Xp22.2.
Variant type: single nucleotide variant.
Coding change: c.1859C>T on transcript NM_003611.3 (MANE Select); coding-DNA position 1859, C replaced by T.
Protein change: p.Ser620Phe; replaces serine 620 with phenylalanine.
Molecular consequence: missense variant.
Genome position (GRCh38, 1-based): chrX:13,760,319, C>T. VCF-style: chrX-13760319-C-T. GRCh37 (hg19) VCF-style: chrX-13778438-C-T.
Other names: c.1739C>T, p.Ser580Phe (NM_001330209.2); c.1439C>T, p.Ser480Phe (NM_001330210.2); short protein forms S480F, S620F, S580F.
Identifiers: ClinVar variation 2014159 (VCV002014159.4), dbSNP rs768396620, ClinGen allele CA412343987.

ClinVar aggregate classification (germline): Uncertain significance (1 of 4 stars; one submission).

Conditions:
Joubert syndrome. Also called: CEREBELLOPARENCHYMAL DISORDER IV; JOUBERT-BOLTSHAUSER SYNDROME; Familial aplasia of the vermis. Identifiers: Orphanet 475, MedGen C5979921, MONDO:0018772.
Orofaciodigital syndrome I (OFD1). Also called: OFDS I; Papillon-Leage and Psaume Syndrome; Oral-Facial-Digital Syndrome Type I. Identifiers: Orphanet 2750, MedGen C1510460, MONDO:0010702, OMIM 311200.

gnomAD v4.1: 1 of 1,211,544 alleles (0.000083%); highest among the groups gnomAD compares: Non-Finnish European, 0.00011%; no homozygotes.

Submission:

Labcorp Genetics (formerly Invitae), Labcorp
Classification: Uncertain significance for Orofaciodigital syndrome I; Joubert syndrome. Last evaluated: 2022-07-04. Review status: criteria provided, single submitter. Criteria: Invitae Variant Classification Sherloc (09022015). Collection method: clinical testing. Allele origin: germline.
Comment: In summary, the available evidence is currently insufficient to determine the role of this variant in disease. Therefore, it has been classified as a Variant of Uncertain Significance. Algorithms developed to predict the effect of missense changes on protein structure and function are either unavailable or do not agree on the potential impact of this missense change (SIFT: "Deleterious"; PolyPhen-2: "Probably Damaging"; Align-GVGD: "Class C0"). This variant has not been reported in the literature in individuals affected with OFD1-related conditions. This variant is not present in population databases (gnomAD no frequency). This sequence change replaces serine, which is neutral and polar, with phenylalanine, which is neutral and non-polar, at codon 620 of the OFD1 protein (p.Ser620Phe).